The following is an entry in ClinVar:

ClinVar aggregate classification (germline): Conflicting classifications of pathogenicity. Review status: criteria provided, conflicting classifications (1 of 4 stars). 2 submissions from 2 submitters: Uncertain significance (1); Likely benign (1). Last evaluated 2024-06-21.

Conditions:
Cardiovascular phenotype. Identifiers: MedGen CN230736.

Allele frequency attached by ClinVar (database versions not stated): gnomAD 0.00001; TOPMed 0.00001.
gnomAD v4.1: 6 of 1,500,644 alleles (0.0004%); highest among the groups gnomAD compares: Middle Eastern, 0.022%; no homozygotes.

Submissions (2):

Women's Health and Genetics/Laboratory Corporation of America, LabCorp
Classification: Uncertain significance. Last evaluated: 2024-06-21. Review status: criteria provided, single submitter. Criteria: LabCorp Variant Classification Summary - May 2015. Collection method: clinical testing. Allele origin: germline.
Comment: Variant summary: APOB c.82G>C (p.Glu28Gln) results in a conservative amino acid change in the encoded protein sequence. Five of five in-silico tools predict a benign effect of the variant on protein function. This variant is also within the exonic splice reion of intron 1. Several computational tools predict a significant impact on normal splicing: Three predict the variant weakens the canonical 5' donor site. One predict the variant creates a cryptic 5' donor site. One predict the variant no significant impact on splicing. However, these predictions have yet to be confirmed by functional studies. The variant allele was found at a frequency of 1e-05 in 99384 control chromosomes, predominantly at a frequency of 0.00052 within the African or African-American subpopulation in the gnomAD database. The available data on variant occurrences in the general population are insufficient to allow any conclusion about variant significance. To our knowledge, no occurrence of c.82G>C in individuals affected with Early Onset Coronary Artery Disease and no experimental evidence demonstrating its impact on protein function have been reported. ClinVar contains an entry for this variant (Variation ID: 1762831). Based on the evidence outlined above, the variant was classified as uncertain significance.

Ambry Genetics
Classification: Likely benign for Cardiovascular phenotype. Last evaluated: 2021-08-20. Review status: criteria provided, single submitter. Criteria: Ambry Variant Classification Scheme 2023. Collection method: clinical testing. Allele origin: germline.

NM_000384.3(APOB):c.82G>C (p.Glu28Gln)

Genes: APOB (apolipoprotein B; minus strand), LOC106560211 (APOB 5' regulatory region; plus strand). Cytogenetic location: 2p24.1.
Variant type: single nucleotide variant.
Coding change: c.82G>C on transcript NM_000384.3 (MANE Select); coding-DNA position 82, G replaced by C.
Protein change: p.Glu28Gln; replaces glutamic acid 28 with glutamine.
Molecular consequence: missense variant.
Genome position (GRCh38, 1-based): chr2:21,043,864, C>G on the plus strand (G>C on the coding strand, the complement: APOB is on the minus strand). VCF-style: chr2-21043864-C-G. GRCh37 (hg19) VCF-style: chr2-21266736-C-G.
Other names: short protein forms E28Q.
Identifiers: ClinVar variation 1762831 (VCV001762831.3), dbSNP rs1264357217, ClinGen allele CA345966061.